The following is an entry in ClinVar:

ClinVar aggregate classification (germline): Uncertain significance. Review status: criteria provided, multiple submitters, no conflicts (2 of 4 stars). 2 submissions from 2 submitters: Uncertain significance (2). Last evaluated 2024-07-24.

Conditions:
Brachyolmia-amelogenesis imperfecta syndrome. Also called: PLATYSPONDYLY WITH AMELOGENESIS IMPERFECTA; Tooth agenesis, selective, 6; Dental anomalies and short stature. Identifiers: Orphanet 2899, MedGen C1832594, MONDO:0011018, OMIM 601216. Disease mechanism: loss of function.
Inborn genetic diseases. Identifiers: MedGen C0950123, MeSH D030342.

Allele frequency attached by ClinVar (database versions not stated): TOPMed below 0.00001.

Submissions (2):

Ambry Genetics
Classification: Uncertain significance for Inborn genetic diseases. Last evaluated: 2024-07-24. Review status: criteria provided, single submitter. Criteria: Ambry Variant Classification Scheme 2023. Collection method: clinical testing. Allele origin: germline.
Comment: The p.A207V variant (also known as c.620C>T), located in coding exon 2 of the LTBP3 gene, results from a C to T substitution at nucleotide position 620. The alanine at codon 207 is replaced by valine, an amino acid with similar properties. This amino acid position is conserved. In addition, this alteration is predicted to be tolerated by in silico analysis. Based on the available evidence, the clinical significance of this variant remains unclear.

Labcorp Genetics (formerly Invitae), Labcorp
Classification: Uncertain significance for Brachyolmia-amelogenesis imperfecta syndrome. Last evaluated: 2022-07-05. Review status: criteria provided, single submitter. Criteria: Invitae Variant Classification Sherloc (09022015). Collection method: clinical testing. Allele origin: germline.
Comment: ClinVar contains an entry for this variant (Variation ID: 1523052). In summary, the available evidence is currently insufficient to determine the role of this variant in disease. Therefore, it has been classified as a Variant of Uncertain Significance. Algorithms developed to predict the effect of missense changes on protein structure and function (SIFT, PolyPhen-2, Align-GVGD) all suggest that this variant is likely to be tolerated. This variant has not been reported in the literature in individuals affected with LTBP3-related conditions. This variant is not present in population databases (gnomAD no frequency). This sequence change replaces alanine, which is neutral and non-polar, with valine, which is neutral and non-polar, at codon 207 of the LTBP3 protein (p.Ala207Val).

NM_001130144.3(LTBP3):c.620C>T (p.Ala207Val)

Gene: LTBP3 (latent transforming growth factor beta binding protein 3; minus strand). Cytogenetic location: 11q13.1.
Variant type: single nucleotide variant.
Coding change: c.620C>T on transcript NM_001130144.3 (MANE Select); coding-DNA position 620, C replaced by T.
Protein change: p.Ala207Val; replaces alanine 207 with valine.
Molecular consequence: missense variant.
Genome position (GRCh38, 1-based): chr11:65,554,092, G>A on the plus strand (C>T on the coding strand, the complement: LTBP3 is on the minus strand). VCF-style: chr11-65554092-G-A. GRCh37 (hg19) VCF-style: chr11-65321563-G-A.
Other names: c.269C>T, p.Ala90Val (NM_001164266.1); c.620C>T, p.Ala207Val (NM_021070.4); c.620C>T (NM_001130144.2); short protein forms A90V, A207V.
Identifiers: ClinVar variation 1523052 (VCV001523052.7), dbSNP rs1856718865, ClinGen allele CA381276254.